The following is an entry in ClinVar:

ClinVar aggregate classification (germline): Uncertain significance (1 of 4 stars; one submission).

Conditions:
Fanconi anemia complementation group E (FANCE). Also called: FANCE-Related Fanconi Anemia. Identifiers: Orphanet 84, MedGen C3160739, MONDO:0010953, OMIM 600901.

Allele frequency attached by ClinVar (database versions not stated): TOPMed below 0.00001.
gnomAD v4.1: 1 of 1,614,188 alleles (0.000062%); highest among the groups gnomAD compares: Admixed American, 0.0017%; no homozygotes.

Submission:

Labcorp Genetics (formerly Invitae), Labcorp
Classification: Uncertain significance for Fanconi anemia complementation group E. Last evaluated: 2023-07-17. Review status: criteria provided, single submitter. Criteria: Invitae Variant Classification Sherloc (09022015). Collection method: clinical testing. Allele origin: germline.
Comment: This sequence change replaces cysteine, which is neutral and slightly polar, with tyrosine, which is neutral and polar, at codon 421 of the FANCE protein (p.Cys421Tyr). This variant is not present in population databases (gnomAD no frequency). In summary, the available evidence is currently insufficient to determine the role of this variant in disease. Therefore, it has been classified as a Variant of Uncertain Significance. Advanced modeling of protein sequence and biophysical properties (such as structural, functional, and spatial information, amino acid conservation, physicochemical variation, residue mobility, and thermodynamic stability) performed at Invitae indicates that this missense variant is expected to disrupt FANCE protein function. ClinVar contains an entry for this variant (Variation ID: 838676). This variant has not been reported in the literature in individuals affected with FANCE-related conditions.

NM_021922.3(FANCE):c.1262G>A (p.Cys421Tyr)

Gene: FANCE (FA complementation group E; plus strand). Cytogenetic location: 6p21.31.
Variant type: single nucleotide variant.
Coding change: c.1262G>A on transcript NM_021922.3 (MANE Select); coding-DNA position 1262, G replaced by A.
Protein change: p.Cys421Tyr; replaces cysteine 421 with tyrosine.
Molecular consequence: missense variant.
Genome position (GRCh38, 1-based): chr6:35,459,706, G>A. VCF-style: chr6-35459706-G-A. GRCh37 (hg19) VCF-style: chr6-35427483-G-A.
Other names: short protein forms C421Y.
Identifiers: ClinVar variation 838676 (VCV000838676.9), dbSNP rs936988373, ClinGen allele CA137301287.
Genomic context (GRCh38, chr6:35,459,706, plus strand): 5'-CCCCCCAGACTTCCCCTTCTGCTGTCCTCTACCCAGGTCCTGCTCAAACAGAGTTACTGT[G>A]TTGCCTTGTGAAGATGGAGTCCCTGGAGCCAGATGCACAGGTTCTAATGCTGGGGTGAGT-3'
Protein context (NP_068741.1, residues 411-431): GTGPAQTELL[Cys421Tyr]CLVKMESLEP